The following is an entry in ClinVar:

ClinVar aggregate classification (germline): Likely benign (1 of 4 stars; one submission).

Allele frequency attached by ClinVar (database versions not stated): TOPMed 0.00002; gnomAD 0.00003.

Submission:

GeneDx
Classification: Likely benign. Last evaluated: 2016-09-29. Review status: criteria provided, single submitter. Criteria: GeneDx Variant Classification (06012015). Collection method: clinical testing. Allele origin: germline. Affected: yes.
Comment: This variant is considered likely benign or benign based on one or more of the following criteria: it is a conservative change, it occurs at a poorly conserved position in the protein, it is predicted to be benign by multiple in silico algorithms, and/or has population frequency not consistent with disease.

NM_018328.5(MBD5):c.-974A>G

Genes: MBD5 (methyl-CpG binding domain protein 5; plus strand), ORC4 (origin recognition complex subunit 4; minus strand). Cytogenetic location: 2q23.1.
Variant type: single nucleotide variant.
Coding change: c.-974A>G on transcript NM_018328.5; 974 bases upstream of the start codon, A replaced by G.
Molecular consequence: 5 prime UTR variant. On other transcripts: intron variant (1).
Genome position (GRCh38, 1-based): chr2:148,021,034, A>G. VCF-style: chr2-148021034-A-G. GRCh37 (hg19) VCF-style: chr2-148778603-A-G.
Other names: c.-937A>G (NM_001438862.1); c.-18+414T>C (NM_181742.4).
Identifiers: ClinVar variation 381693 (VCV000381693.3), dbSNP rs1057521148, ClinGen allele CA16603749.